The following is an entry in ClinVar:

ClinVar aggregate classification (germline): Uncertain significance (1 of 4 stars; one submission).

Conditions:
CRELD1-related disorder. Also called: CRELD1-related condition.

Submission:

PreventionGenetics, part of Exact Sciences
Classification: Uncertain significance for CRELD1-related condition. Last evaluated: 2025-01-09. Review status: criteria provided, single submitter. Criteria: ACMG Guidelines, 2015. Collection method: clinical testing. Allele origin: germline.
Comment: The CRELD1 c.800G>A variant is predicted to result in the amino acid substitution p.Gly267Asp. To our knowledge, this variant has not been reported in the literature or in a large population database (gnomAD), indicating this variant is rare. At this time, the clinical significance of this variant is uncertain due to the absence of conclusive functional and genetic evidence.

NM_001077415.3(CRELD1):c.800G>A (p.Gly267Asp)

Gene: CRELD1 (CRELD disulfide isomerase 1; plus strand). Cytogenetic location: 3p25.3.
Variant type: single nucleotide variant.
Coding change: c.800G>A on transcript NM_001077415.3 (MANE Select); coding-DNA position 800, G replaced by A.
Protein change: p.Gly267Asp; replaces glycine 267 with aspartic acid.
Molecular consequence: missense variant. On other transcripts: non-coding transcript variant (3), intron variant (2).
Genome position (GRCh38, 1-based): chr3:9,942,879, G>A. VCF-style: chr3-9942879-G-A. GRCh37 (hg19) VCF-style: chr3-9984563-G-A.
Other names: c.800G>A, p.Gly267Asp (NM_001031717.4, NM_001374316.1, NM_001374317.1 and 3 more transcripts); c.734-198G>A (NM_001374319.1, NM_001374320.1); short protein forms G267D.
Identifiers: ClinVar variation 4997429 (VCV004997429.1).